The following is an entry in ClinVar:

ClinVar aggregate classification (germline): Uncertain significance (1 of 4 stars; one submission).

Submission:

GeneDx
Classification: Uncertain significance. Last evaluated: 2022-11-22. Review status: criteria provided, single submitter. Criteria: GeneDx Variant Classification Process June 2021. Collection method: clinical testing. Allele origin: germline. Affected: yes.
Comment: Has not been previously published as pathogenic or benign to our knowledge; Not observed at significant frequency in large population cohorts (gnomAD); In silico analysis supports that this missense variant has a deleterious effect on protein structure/function; In silico analysis supports a deleterious effect on splicing

NM_001080517.3(SETD5):c.1216A>C (p.Lys406Gln)

Gene: SETD5 (SET domain containing 5; plus strand). Cytogenetic location: 3p25.3.
Variant type: single nucleotide variant.
Coding change: c.1216A>C on transcript NM_001080517.3 (MANE Select); coding-DNA position 1216, A replaced by C.
Protein change: p.Lys406Gln; replaces lysine 406 with glutamine.
Molecular consequence: missense variant.
Genome position (GRCh38, 1-based): chr3:9,445,076, A>C. VCF-style: chr3-9445076-A-C. GRCh37 (hg19) VCF-style: chr3-9486760-A-C.
Other names: c.922A>C, p.Lys308Gln (NM_001292043.2, NM_001349451.2); short protein forms K308Q, K406Q.
Identifiers: ClinVar variation 3766127 (VCV003766127.1).
Genomic context (GRCh38, chr3:9,445,076, plus strand): 5'-AGACAGGCATTTTGGTTGTTTCTTTGGAGCAGTAATTATAAAGTGGACTGTGCCTGTCAC[A>C]AGGGAAACCGGAATTGTCCTATACAAAAAAGGAATCCTAATGCTACAGAACTGCCACTCC-3'
Protein context (NP_001073986.1, residues 396-416): CNYKVDCACH[Lys406Gln]GNRNCPIQKR